The following is an entry in ClinVar:

NM_138691.3(TMC1):c.1506C>G (p.Pro502=)

Gene: TMC1 (transmembrane channel like 1; plus strand). Cytogenetic location: 9q21.13.
Variant type: single nucleotide variant.
Coding change: c.1506C>G on transcript NM_138691.3 (MANE Select); coding-DNA position 1506, C replaced by G.
Protein change: p.Pro502=; no amino-acid change (proline 502 retained).
Molecular consequence: synonymous variant.
Genome position (GRCh38, 1-based): chr9:72,792,292, C>G. VCF-style: chr9-72792292-C-G. GRCh37 (hg19) VCF-style: chr9-75407208-C-G.
Identifiers: ClinVar variation 1701571 (VCV001701571.31), dbSNP rs2118194195, ClinGen allele CA465187298.
Genomic context (GRCh38, chr9:72,792,292, plus strand): 5'-GGAAGCCAATATGATCAAGGCCTACAATGCATCATTCTCTGAAAATAGCACTGGACCACC[C>G]TTTTTTGTTCACCCTGCAGATGTACCTCGAGGACCTTGCTGGGAAACAATGGTGGGACAG-3'
Protein context (NP_619636.2, residues 492-512): ASFSENSTGP[Pro502=]FFVHPADVPR

ClinVar aggregate classification (germline): Likely benign (1 of 4 stars; one submission).

Submission:

CeGaT Center for Human Genetics Tuebingen
Classification: Likely benign. Last evaluated: 2022-07-01. Review status: criteria provided, single submitter. Criteria: CeGaT Center For Human Genetics Tuebingen Variant Classification Criteria Version 2. Collection method: clinical testing. Allele origin: germline. Affected: yes. Observed: 1 variant allele.
Comment: TMC1: PM2:Supporting, BP4, BP7